The following is an entry in ClinVar:

NM_006267.5(RANBP2):c.1677A>G (p.Ile559Met)

Gene: RANBP2 (RAN binding protein 2; plus strand). Cytogenetic location: 2q13.
Variant type: single nucleotide variant.
Coding change: c.1677A>G on transcript NM_006267.5 (MANE Select); coding-DNA position 1677, A replaced by G.
Protein change: p.Ile559Met; replaces isoleucine 559 with methionine.
Molecular consequence: missense variant.
Genome position (GRCh38, 1-based): chr2:108,751,916, A>G. VCF-style: chr2-108751916-A-G. GRCh37 (hg19) VCF-style: chr2-109368372-A-G.
Other names: c.1677A>G, p.Ile559Met (NM_001415871.1, NM_001415873.1); c.1674A>G, p.Ile558Met (NM_001415872.1); short protein forms I558M, I559M.
Identifiers: ClinVar variation 2023677 (VCV002023677.4), dbSNP rs370737050, ClinGen allele CA1822405.

ClinVar aggregate classification (germline): Uncertain significance (1 of 4 stars; one submission).

Conditions:
Familial acute necrotizing encephalopathy (IIAE3). Also called: ENCEPHALOPATHY, ACUTE, INFECTION-INDUCED, SUSCEPTIBILITY TO, 3; Susceptibility to Acute Necrotizing Encephalopathy 1. Identifiers: Orphanet 88619, MedGen C2675556, MONDO:0011953, OMIM 608033.

Allele frequency attached by ClinVar (database versions not stated): ExAC 0.00001; TOPMed 0.00002; gnomAD 0.00004; ESP Exome Variant Server 0.00012.
gnomAD v4.1: 6 of 1,611,904 alleles (0.00037%); highest among the groups gnomAD compares: African/African-American, 0.008%; no homozygotes.

Submission:

Labcorp Genetics (formerly Invitae), Labcorp
Classification: Uncertain significance for Familial acute necrotizing encephalopathy. Last evaluated: 2022-07-05. Review status: criteria provided, single submitter. Criteria: Invitae Variant Classification Sherloc (09022015). Collection method: clinical testing. Allele origin: germline.
Comment: In summary, the available evidence is currently insufficient to determine the role of this variant in disease. Therefore, it has been classified as a Variant of Uncertain Significance. Algorithms developed to predict the effect of missense changes on protein structure and function are either unavailable or do not agree on the potential impact of this missense change (SIFT: "Deleterious"; PolyPhen-2: "Benign"; Align-GVGD: "Class C0"). This variant has not been reported in the literature in individuals affected with RANBP2-related conditions. This variant is present in population databases (rs370737050, gnomAD 0.008%). This sequence change replaces isoleucine, which is neutral and non-polar, with methionine, which is neutral and non-polar, at codon 559 of the RANBP2 protein (p.Ile559Met).